The following is an entry in ClinVar:

NM_014956.5(CEP164):c.947A>G (p.Asn316Ser)

Gene: CEP164 (centrosomal protein 164; plus strand). Cytogenetic location: 11q23.3.
Variant type: single nucleotide variant.
Coding change: c.947A>G on transcript NM_014956.5 (MANE Select); coding-DNA position 947, A replaced by G.
Protein change: p.Asn316Ser; replaces asparagine 316 with serine.
Molecular consequence: missense variant.
Genome position (GRCh38, 1-based): chr11:117,371,261, A>G. VCF-style: chr11-117371261-A-G. GRCh37 (hg19) VCF-style: chr11-117241977-A-G.
Other names: c.947A>G, p.Asn316Ser (NM_001271933.2); short protein forms N316S.
Identifiers: ClinVar variation 2049608 (VCV002049608.4), dbSNP rs2541192100, ClinGen allele CA382737423.

ClinVar aggregate classification (germline): Uncertain significance (1 of 4 stars; one submission).

Conditions:
Nephronophthisis 15 (NPHP15). Identifiers: Orphanet 3156, MedGen C3541853, MONDO:0013917, OMIM 614845.

Allele frequency attached by ClinVar (database versions not stated): gnomAD exomes below 0.00001.
gnomAD v4.1: 1 of 1,614,226 alleles (0.000062%); highest among the groups gnomAD compares: Non-Finnish European, 0.000085%; no homozygotes.

Submission:

Labcorp Genetics (formerly Invitae), Labcorp
Classification: Uncertain significance for Nephronophthisis 15. Last evaluated: 2022-08-22. Review status: criteria provided, single submitter. Criteria: Invitae Variant Classification Sherloc (09022015). Collection method: clinical testing. Allele origin: germline.
Comment: This sequence change replaces asparagine, which is neutral and polar, with serine, which is neutral and polar, at codon 316 of the CEP164 protein (p.Asn316Ser). This variant is not present in population databases (gnomAD no frequency). In summary, the available evidence is currently insufficient to determine the role of this variant in disease. Therefore, it has been classified as a Variant of Uncertain Significance. Algorithms developed to predict the effect of missense changes on protein structure and function output the following: SIFT: "Tolerated"; PolyPhen-2: "Benign"; Align-GVGD: "Class C0". The serine amino acid residue is found in multiple mammalian species, which suggests that this missense change does not adversely affect protein function. This variant has not been reported in the literature in individuals affected with CEP164-related conditions.